The following is an entry in ClinVar:

ClinVar aggregate classification (germline): Likely pathogenic (1 of 4 stars; one submission).

Submission:

GeneDx
Classification: Likely pathogenic. Last evaluated: 2017-08-29. Review status: criteria provided, single submitter. Criteria: GeneDx Variant Classification (06012015). Collection method: clinical testing. Allele origin: germline. Affected: yes.
Comment: The V223L variant has not been published as a pathogenic variant, nor has it been reported as a benign variant to our knowledge. The variant is not observed in large population cohorts (Lek et al., 2016; 1000 Genomes Consortium et al., 2015; Exome Variant Server). V223L is a conservative amino acid substitution, which is not likely to impact secondary protein structure as these residues share similar properties. However, this substitution occurs at a position that is conserved across species, and in silico analysis predicts this variant is probably damaging to the protein structure/function. A missense variant in the same residue (V223M) has been reported in the Human Gene Mutation Database in association with Darier disease (Stenson et al., 2014), supporting the functional importance of this region of the protein. In summary, this variant is likely pathogenic; however, the possibility that it is benign cannot be excluded.

NM_170665.4(ATP2A2):c.667G>C (p.Val223Leu)

Gene: ATP2A2 (ATPase sarcoplasmic/endoplasmic reticulum Ca2+ transporting 2; plus strand). Cytogenetic location: 12q24.11.
Variant type: single nucleotide variant.
Coding change: c.667G>C on transcript NM_170665.4 (MANE Select); coding-DNA position 667, G replaced by C.
Protein change: p.Val223Leu; replaces valine 223 with leucine.
Molecular consequence: missense variant.
Genome position (GRCh38, 1-based): chr12:110,327,589, G>C. VCF-style: chr12-110327589-G-C. GRCh37 (hg19) VCF-style: chr12-110765394-G-C.
Other names: c.667G>C, p.Val223Leu (NM_001681.4); short protein forms V223L.
Identifiers: ClinVar variation 451797 (VCV000451797.2), dbSNP rs1555282129, ClinGen allele CA386666861.